The following is an entry in ClinVar:

ClinVar aggregate classification (germline): Likely benign (1 of 4 stars; one submission).

Allele frequency attached by ClinVar (database versions not stated): gnomAD exomes below 0.00001; TOPMed below 0.00001.
gnomAD v4.1: 4 of 1,614,066 alleles (0.00025%); highest among the groups gnomAD compares: South Asian, 0.0033%; no homozygotes.

Submission:

CeGaT Center for Human Genetics Tuebingen
Classification: Likely benign. Last evaluated: 2022-12-01. Review status: criteria provided, single submitter. Criteria: CeGaT Center For Human Genetics Tuebingen Variant Classification Criteria Version 2. Collection method: clinical testing. Allele origin: germline. Affected: yes. Observed: 1 variant allele.
Comment: WASHC5: BP4, BP7

NM_014846.4(WASHC5):c.1023G>C (p.Val341=)

Gene: WASHC5 (WASH complex subunit 5; minus strand). Cytogenetic location: 8q24.13.
Variant type: single nucleotide variant.
Coding change: c.1023G>C on transcript NM_014846.4 (MANE Select); coding-DNA position 1023, G replaced by C.
Protein change: p.Val341=; no amino-acid change (valine 341 retained).
Molecular consequence: synonymous variant.
Genome position (GRCh38, 1-based): chr8:125,073,280, C>G on the plus strand (G>C on the coding strand, the complement: WASHC5 is on the minus strand). VCF-style: chr8-125073280-C-G. GRCh37 (hg19) VCF-style: chr8-126085522-C-G.
Other names: c.579G>C, p.Val193= (NM_001330609.2).
Identifiers: ClinVar variation 2658804 (VCV002658804.24), dbSNP rs1395316853, ClinGen allele CA462771589.